The following is an entry in ClinVar:

NM_000368.5(TSC1):c.2691G>A (p.Gln897=)

Gene: TSC1 (TSC complex subunit 1; minus strand). Cytogenetic location: 9q34.13.
Variant type: single nucleotide variant.
Coding change: c.2691G>A on transcript NM_000368.5 (MANE Select); coding-DNA position 2691, G replaced by A.
Protein change: p.Gln897=; no amino-acid change (glutamine 897 retained).
Molecular consequence: synonymous variant. On other transcripts: non-coding transcript variant (5).
Genome position (GRCh38, 1-based): chr9:132,897,545, C>T on the plus strand (G>A on the coding strand, the complement: TSC1 is on the minus strand). VCF-style: chr9-132897545-C-T. GRCh37 (hg19) VCF-style: chr9-135772932-C-T.
Other names: c.2646G>A, p.Gln882= (NM_001406609.1, NM_001406608.1); c.2538G>A, p.Gln846= (NM_001406610.1, NM_001162427.2); c.2535G>A, p.Gln845= (NM_001406611.1, NM_001406612.1); c.2493G>A, p.Gln831= (NM_001406613.1); c.2325G>A, p.Gln775= (NM_001406620.1, NM_001406621.1, NM_001406622.1 and 1 more transcripts); c.2328G>A, p.Gln776= (NM_001406614.1, NM_001406615.1, NM_001406616.1 and 4 more transcripts); c.2286G>A, p.Gln762= (NM_001406624.1); c.2283G>A, p.Gln761= (NM_001406625.1); and 8 more.
Identifiers: ClinVar variation 2826152 (VCV002826152.4), dbSNP rs372915963, ClinGen allele CA034323.

ClinVar aggregate classification (germline): Benign/Likely benign. Review status: criteria provided, multiple submitters, no conflicts (2 of 4 stars). 2 submissions from 2 submitters: Benign (1); Likely benign (1). Last evaluated 2025-04-29.

Conditions:
Tuberous sclerosis 1 (TSC1). Identifiers: Orphanet 805, MedGen C1854465, MONDO:0008612, OMIM 191100.

Allele frequency attached by ClinVar (database versions not stated): ExAC 0.00001; ESP Exome Variant Server 0.00008.

Submissions (2):

Myriad Genetics, Inc.
Classification: Benign for Tuberous sclerosis 1. Last evaluated: 2025-04-29. Review status: criteria provided, single submitter. Criteria: Myriad Autosomal Dominant, Autosomal Recessive and X-Linked Classification Criteria (2023). Collection method: clinical testing. Allele origin: unknown.
Comment: This variant is considered benign. This variant is a silent/synonymous amino acid change and it is not expected to impact splicing.

Labcorp Genetics (formerly Invitae), Labcorp
Classification: Likely benign for Tuberous sclerosis 1. Last evaluated: 2023-01-03. Review status: criteria provided, single submitter. Criteria: Invitae Variant Classification Sherloc (09022015). Collection method: clinical testing. Allele origin: germline.